The following is an entry in ClinVar:

NM_052947.4(ALPK2):c.952T>C (p.Tyr318His)

Genes: ALPK2 (alpha kinase 2; minus strand), LOC114803473 (ALPK2 eExon liver enhancer; plus strand). Cytogenetic location: 18q21.31.
Variant type: single nucleotide variant.
Coding change: c.952T>C on transcript NM_052947.4 (MANE Select); coding-DNA position 952, T replaced by C.
Protein change: p.Tyr318His; replaces tyrosine 318 with histidine.
Molecular consequence: missense variant.
Genome position (GRCh38, 1-based): chr18:58,579,824, A>G on the plus strand (T>C on the coding strand, the complement: ALPK2 is on the minus strand). VCF-style: chr18-58579824-A-G. GRCh37 (hg19) VCF-style: chr18-56247056-A-G.
Other names: short protein forms Y318H.
Identifiers: ClinVar variation 2564099 (VCV002564099.2), dbSNP rs764352947, ClinGen allele CA402566623.

ClinVar aggregate classification (germline): Uncertain significance (1 of 4 stars; one submission).

gnomAD v4.1: 2 of 1,614,178 alleles (0.00012%); highest among the groups gnomAD compares: Non-Finnish European, 0.00017%; no homozygotes.

Submission:

Ambry Genetics
Classification: Uncertain significance. Last evaluated: 2023-05-31. Review status: criteria provided, single submitter. Criteria: Ambry Variant Classification Scheme 2023. Collection method: clinical testing. Allele origin: germline.
Comment: The p.Y318H variant (also known as c.952T>C), located in coding exon 3 of the ALPK2 gene, results from a T to C substitution at nucleotide position 952. The tyrosine at codon 318 is replaced by histidine, an amino acid with similar properties. This amino acid position is conserved. In addition, this alteration is predicted to be tolerated by in silico analysis. Since supporting evidence is limited at this time, the clinical significance of this alteration remains unclear.